The following is an entry in ClinVar:

ClinVar aggregate classification (germline): Uncertain significance (1 of 4 stars; one submission).

Submission:

GeneDx
Classification: Uncertain significance. Last evaluated: 2026-01-07. Review status: criteria provided, single submitter. Criteria: GeneDx Variant Classification Process June 2021. Collection method: clinical testing. Allele origin: germline. Affected: yes.
Comment: Not observed at significant frequency in large population cohorts (gnomAD); In silico analysis supports that this missense variant has a deleterious effect on protein structure/function; Has not been previously published as pathogenic or benign to our knowledge; This substitution is predicted to be within the intracellular loop between the S4 and S5 transmembrane segments of the third homologous domain

NM_001330260.2(SCN8A):c.3939G>T (p.Met1313Ile)

Gene: SCN8A (sodium voltage-gated channel alpha subunit 8; plus strand). Cytogenetic location: 12q13.13.
Variant type: single nucleotide variant.
Coding change: c.3939G>T on transcript NM_001330260.2 (MANE Select); coding-DNA position 3939, G replaced by T.
Protein change: p.Met1313Ile; replaces methionine 1313 with isoleucine.
Molecular consequence: missense variant. On other transcripts: intron variant (2).
Genome position (GRCh38, 1-based): chr12:51,780,768, G>T. VCF-style: chr12-51780768-G-T. GRCh37 (hg19) VCF-style: chr12-52174552-G-T.
Other names: c.3939G>T, p.Met1313Ile (NM_014191.4); c.3820-5774G>T (NM_001177984.3, NM_001369788.1); short protein forms M1313I.
Identifiers: ClinVar variation 2581819 (VCV002581819.2), dbSNP rs1085307546, ClinGen allele CA384901738.